The following is an entry in ClinVar:

ClinVar aggregate classification (germline): Benign/Likely benign. Review status: criteria provided, multiple submitters, no conflicts (2 of 4 stars). 4 submissions from 4 submitters: Benign (2); Likely benign (1). 1 of the submissions does not count toward it. Last evaluated 2026-01-26.

Conditions:
LRP5-related disorder. Also called: LRP5-related condition.
Bone mineral density quantitative trait locus 1 (BMND1). Identifiers: MedGen C1866079, OMIM 601884.
Osteoporosis with pseudoglioma (OPPG). Also called: osteoporosis-pseudoglioma syndrome. Identifiers: Orphanet 2788, MedGen C0432252, MONDO:0009820, OMIM 259770.
Polycystic liver disease 4 with or without kidney cysts. Identifiers: MedGen C4693479, MONDO:0044327, OMIM 617875.
Osteoporosis. Identifiers: MedGen C0029456, MONDO:0005298, OMIM 166710, HP:0000939.
Worth disease. Also called: ENDOSTEAL HYPEROSTOSIS, AUTOSOMAL DOMINANT; OSTEOSCLEROSIS, AUTOSOMAL DOMINANT; Autosomal dominant osteosclerosis, Worth type. Identifiers: Orphanet 2790, MedGen C0432273, MONDO:0007764, OMIM 144750.
Autosomal dominant osteopetrosis 1 (OPTA1). Also called: OSTEOPETROSIS, AUTOSOMAL DOMINANT, TYPE I. Identifiers: Orphanet 2783, MedGen C1843330, MONDO:0011877, OMIM 607634.
Exudative vitreoretinopathy 4 (EVR4). Identifiers: Orphanet 891, MedGen C1866176, MONDO:0011151, OMIM 601813.
Exudative vitreoretinopathy 1 (EVR1). Also called: FEVR, AUTOSOMAL DOMINANT; Familial exudative vitreoretinopathy, autosomal dominant; CRISWICK-SCHEPENS SYNDROME. Identifiers: Orphanet 891, Orphanet 90050, MedGen C1851402, MONDO:0007589, OMIM 133780.

Allele frequency attached by ClinVar (database versions not stated): gnomAD 0.00079 and 0.00083; TOPMed 0.00096; 1000 Genomes Project 0.00100; ESP Exome Variant Server 0.00108; 1000 Genomes Project 30x 0.00125.
gnomAD v4.1: 238 of 1,613,714 alleles (0.015%); highest among the groups gnomAD compares: African/African-American, 0.29%; 1 homozygote.

Submissions (4):

Labcorp Genetics (formerly Invitae), Labcorp
Classification: Benign. Last evaluated: 2026-01-26. Review status: criteria provided, single submitter. Criteria: Invitae Variant Classification Sherloc (09022015). Collection method: clinical testing. Allele origin: germline.

Blueprint Genetics
Classification: Likely benign. Last evaluated: 2024-09-11. Review status: criteria provided, single submitter. Criteria: ACMG Guidelines, 2015. Collection method: clinical testing. Allele origin: germline.

Fulgent Genetics
Classification: Benign for Exudative vitreoretinopathy 1; Worth disease; Osteoporosis; Osteoporosis with pseudoglioma; Exudative vitreoretinopathy 4; Bone mineral density quantitative trait locus 1; Autosomal dominant osteopetrosis 1; Polycystic liver disease 4 with or without kidney cysts. Last evaluated: 2021-07-20. Review status: criteria provided, single submitter. Criteria: ACMG Guidelines, 2015. Collection method: clinical testing. Allele origin: unknown.

PreventionGenetics, part of Exact Sciences
Classification: Likely benign for LRP5-related condition. Last evaluated: 2022-05-27. Review status: no assertion criteria provided. Collection method: clinical testing. Allele origin: germline. Not counted in ClinVar's aggregate classification.
Comment: This variant is classified as likely benign based on ACMG/AMP sequence variant interpretation guidelines (Richards et al. 2015 PMID: 25741868, with internal and published modifications).

NM_002335.4(LRP5):c.2544G>A (p.Pro848=)

Gene: LRP5 (LDL receptor related protein 5; plus strand). Cytogenetic location: 11q13.2.
Variant type: single nucleotide variant.
Coding change: c.2544G>A on transcript NM_002335.4 (MANE Select); coding-DNA position 2544, G replaced by A.
Protein change: p.Pro848=; no amino-acid change (proline 848 retained).
Molecular consequence: synonymous variant.
Genome position (GRCh38, 1-based): chr11:68,413,729, G>A. VCF-style: chr11-68413729-G-A. GRCh37 (hg19) VCF-style: chr11-68181197-G-A.
Other names: c.801G>A, p.Pro267= (NM_001291902.2).
Identifiers: ClinVar variation 707894 (VCV000707894.13), dbSNP rs148271293, ClinGen allele CA6149681.